The following is an entry in ClinVar:

NM_015047.3(EMC1):c.2564dup (p.Ile856fs)

Genes: EMC1 (ER membrane protein complex subunit 1; minus strand), EMC1-AS1 (EMC1 antisense RNA 1; plus strand). Cytogenetic location: 1p36.13.
Variant type: Duplication.
Coding change: c.2564dup on transcript NM_015047.3 (MANE Select); coding-DNA position 2564, one base duplicated (G; older notation c.2564dupG).
Protein change: p.Ile856fs; shifts the reading frame from isoleucine 856.
Molecular consequence: frameshift variant.
Genome position (GRCh38, 1-based): chr1:19,222,647, C duplicated on the plus strand (G on the coding strand, the reverse complement: EMC1 is on the minus strand); the first of 4 consecutive C bases (chr1:19,222,647-19,222,650); duplicating any one gives the same sequence. VCF-style (leftmost placement, unchanged base first): chr1-19222646-G-GC. GRCh37 (hg19) VCF-style: chr1-19549140-G-GC.
Other names: c.2561dup, p.Ile855fs (NM_001271427.2, NM_001271428.2); c.2498dup, p.Ile834fs (NM_001271429.2); c.2573dup, p.Ile859fs (NM_001375820.1); c.2570dup, p.Ile858fs (NM_001375821.1); short protein forms I859fs, I834fs, I855fs, I856fs, I858fs.
Identifiers: ClinVar variation 1418611 (VCV001418611.6), dbSNP rs2151938056, ClinGen allele CA2573130908.

ClinVar aggregate classification (germline): Pathogenic (1 of 4 stars; one submission).

Submission:

Labcorp Genetics (formerly Invitae), Labcorp
Classification: Pathogenic. Last evaluated: 2021-04-06. Review status: criteria provided, single submitter. Criteria: Invitae Variant Classification Sherloc (09022015). Collection method: clinical testing. Allele origin: germline.
Comment: For these reasons, this variant has been classified as Pathogenic. This variant has not been reported in the literature in individuals with EMC1-related conditions. This variant is not present in population databases (ExAC no frequency). This sequence change creates a premature translational stop signal (p.Ile856Hisfs*20) in the EMC1 gene. It is expected to result in an absent or disrupted protein product. Loss-of-function variants in EMC1 are known to be pathogenic (PMID: 26572623, 26942288, 29271071).

Literature cited by the submitters: PubMed 26572623; PubMed 26942288; PubMed 29271071.